The following is an entry in ClinVar:

ClinVar aggregate classification (germline): Uncertain significance (0 of 4 stars; one submission).

Conditions:
HPS4-related disorder. Also called: HPS4-related condition.

gnomAD v4.1: 1 of 1,614,216 alleles (0.000062%); highest among the groups gnomAD compares: Non-Finnish European, 0.000085%; no homozygotes.

Submission:

PreventionGenetics, part of Exact Sciences
Classification: Uncertain significance for HPS4-related condition. Last evaluated: 2024-04-22. Review status: no assertion criteria provided. Collection method: clinical testing. Allele origin: germline.
Comment: The HPS4 c.698A>G variant is predicted to result in the amino acid substitution p.Gln233Arg. To our knowledge, this variant has not been reported in the literature or in a large population database, indicating this variant is rare. At this time, the clinical significance of this variant is uncertain due to the absence of conclusive functional and genetic evidence.

NM_022081.6(HPS4):c.698A>G (p.Gln233Arg)

Gene: HPS4 (HPS4 biogenesis of lysosomal organelles complex 3 subunit 2; minus strand). Cytogenetic location: 22q12.1.
Variant type: single nucleotide variant.
Coding change: c.698A>G on transcript NM_022081.6 (MANE Select); coding-DNA position 698, A replaced by G.
Protein change: p.Gln233Arg; replaces glutamine 233 with arginine.
Molecular consequence: missense variant. On other transcripts: non-coding transcript variant (8).
Genome position (GRCh38, 1-based): chr22:26,466,234, T>C on the plus strand (A>G on the coding strand, the complement: HPS4 is on the minus strand). VCF-style: chr22-26466234-T-C. GRCh37 (hg19) VCF-style: chr22-26862200-T-C.
Other names: c.698A>G, p.Gln233Arg (NM_001349896.1, NM_001349898.2, NM_001349899.2 and 7 more transcripts); c.683A>G, p.Gln228Arg (NM_152841.2); short protein forms Q228R, Q233R.
Identifiers: ClinVar variation 3347366 (VCV003347366.1).